The following is an entry in ClinVar:

NC_000017.10:g.(?_10534908)_(10538360_?)del

Gene: MYH3 (myosin heavy chain 3; minus strand). Cytogenetic location: 17p13.1.
Variant type: Deletion.
Identifiers: ClinVar variation 3243150 (VCV003243150.1).

ClinVar aggregate classification (germline): Pathogenic (1 of 4 stars; one submission).

Submission:

Labcorp Genetics (formerly Invitae), Labcorp
Classification: Pathogenic. Last evaluated: 2023-01-28. Review status: criteria provided, single submitter. Criteria: Invitae Variant Classification Sherloc (09022015). Collection method: clinical testing. Allele origin: unknown.
Comment: For these reasons, this variant has been classified as Pathogenic. This variant has not been reported in the literature in individuals affected with MYH3-related conditions. This variant is a gross deletion of the genomic region encompassing exon(s) 31-36 of the MYH3 gene. This deletion is out-of-frame, and is expected to create a premature termination codon and result in an absent or disrupted protein product. Loss-of-function variants in MYH3 are known to be pathogenic (PMID: 29805041, 30008475).

Literature cited by the submitters: PubMed 29805041; PubMed 30008475.